The following is an entry in ClinVar:

NM_032383.5(HPS3):c.2292+1G>C

Gene: HPS3 (HPS3 biogenesis of lysosomal organelles complex 2 subunit 1; plus strand). Cytogenetic location: 3q24.
Variant type: single nucleotide variant.
Coding change: c.2292+1G>C on transcript NM_032383.5 (MANE Select); the canonical splice donor site of the intron after coding-DNA position 2292, G replaced by C.
Molecular consequence: splice donor variant.
Genome position (GRCh38, 1-based): chr3:149,162,334, G>C. VCF-style: chr3-149162334-G-C. GRCh37 (hg19) VCF-style: chr3-148880121-G-C.
Other names: c.1797+1G>C (NM_001308258.2).
Identifiers: ClinVar variation 2031873 (VCV002031873.4), dbSNP rs755724489, ClinGen allele CA2660275.

ClinVar aggregate classification (germline): Likely pathogenic (1 of 4 stars; one submission).

Allele frequency attached by ClinVar (database versions not stated): ExAC 0.00001.

Submission:

Labcorp Genetics (formerly Invitae), Labcorp
Classification: Likely pathogenic. Last evaluated: 2022-09-22. Review status: criteria provided, single submitter. Criteria: Invitae Variant Classification Sherloc (09022015). Collection method: clinical testing. Allele origin: germline.
Comment: This sequence change affects a donor splice site in intron 12 of the HPS3 gene. It is expected to disrupt RNA splicing. Variants that disrupt the donor or acceptor splice site typically lead to a loss of protein function (PMID: 16199547), and loss-of-function variants in HPS3 are known to be pathogenic (PMID: 11590544). In summary, the currently available evidence indicates that the variant is pathogenic, but additional data are needed to prove that conclusively. Therefore, this variant has been classified as Likely Pathogenic. Algorithms developed to predict the effect of sequence changes on RNA splicing suggest that this variant may disrupt the consensus splice site. This variant has not been reported in the literature in individuals affected with HPS3-related conditions. This variant is present in population databases (rs755724489, gnomAD 0.003%).

Literature cited by the submitters: PubMed 16199547; PubMed 11590544.